The following is an entry in ClinVar:

NM_014009.4(FOXP3):c.1076C>T (p.Thr359Ile)

Gene: FOXP3 (forkhead box P3; minus strand). Cytogenetic location: Xp11.23.
Variant type: single nucleotide variant.
Coding change: c.1076C>T on transcript NM_014009.4 (MANE Select); coding-DNA position 1076, C replaced by T.
Protein change: p.Thr359Ile; replaces threonine 359 with isoleucine.
Molecular consequence: missense variant.
Genome position (GRCh38, 1-based): chrX:49,251,734, G>A on the plus strand (C>T on the coding strand, the complement: FOXP3 is on the minus strand). VCF-style: chrX-49251734-G-A. GRCh37 (hg19) VCF-style: chrX-49108195-G-A.
Other names: c.971C>T, p.Thr324Ile (NM_001114377.2); short protein forms T359I, T324I.
Identifiers: ClinVar variation 421339 (VCV000421339.2), dbSNP rs1064795069, ClinGen allele CA16621429.

ClinVar aggregate classification (germline): Likely pathogenic (1 of 4 stars; one submission).

Submission:

GeneDx
Classification: Likely pathogenic. Last evaluated: 2016-05-27. Review status: criteria provided, single submitter. Criteria: GeneDx Variant Classification (06012015). Collection method: clinical testing. Allele origin: germline. Affected: yes.
Comment: The T359I variant in the FOXP3 gene has not been reported previously as a pathogenic variant, nor as a benign variant, to our knowledge. The T359I variant was not observed in approximately 6500 individuals of European and African American ancestry in the NHLBI Exome Sequencing Project, indicating it is not a common benign variant in these populations. The T359I variant is a non-conservative amino acid substitution, which is likely to impact secondary protein structure as these residues differ in polarity, charge, size and/or other properties. This substitution occurs at a position within the fork-head DNA binding domain (d'Hennezel et al., 2012), where amino acids with similar properties to Threonine are tolerated across species. In silico analysis predicts this variant is probably damaging to the protein structure/function. Many missense variants in nearby residues within the fork-head DNA binding domain have been reported in the Human Gene Mutation Database in association with IPEX syndrome (Stenson et al., 2014), supporting the functional importance of this region of the protein. The T359I variant is a strong candidate for a pathogenic variant, however the possibility it may be a rare benign variant cannot be excluded.